The following is an entry in ClinVar:

NM_032108.4(SEMA6B):c.712G>T (p.Gly238Cys)

Gene: SEMA6B (semaphorin 6B; minus strand). Cytogenetic location: 19p13.3.
Variant type: single nucleotide variant.
Coding change: c.712G>T on transcript NM_032108.4 (MANE Select); coding-DNA position 712, G replaced by T.
Protein change: p.Gly238Cys; replaces glycine 238 with cysteine.
Molecular consequence: missense variant.
Genome position (GRCh38, 1-based): chr19:4,554,447, C>A on the plus strand (G>T on the coding strand, the complement: SEMA6B is on the minus strand). VCF-style: chr19-4554447-C-A. GRCh37 (hg19) VCF-style: chr19-4554459-C-A.
Other names: short protein forms G238C.
Identifiers: ClinVar variation 4082772 (VCV004082772.1).
Genomic context (GRCh38, chr19:4,554,447, plus strand): 5'-CCTTCTCCAGGTAGTTAAACTCCATCGCAATCTCCCGGAAGAAGAAGTAGACATGGCTGC[C>A]CCACTCCACCGCATGGACAAAGTAAGGCTCTGCAGGACAGGAGGGGTCAGAACTCAGCCC-3'
Protein context (NP_115484.2, residues 228-248): EPYFVHAVEW[Gly238Cys]SHVYFFFREI

ClinVar aggregate classification (germline): Uncertain significance (1 of 4 stars; one submission).

gnomAD v4.1: 1 of 1,613,970 alleles (0.000062%); highest among the groups gnomAD compares: Non-Finnish European, 0.000085%; no homozygotes.

Submission:

GeneDx
Classification: Uncertain significance. Last evaluated: 2025-03-08. Review status: criteria provided, single submitter. Criteria: GeneDx Variant Classification Process June 2021. Collection method: clinical testing. Allele origin: germline. Affected: yes.
Comment: Not observed at significant frequency in large population cohorts (gnomAD); In silico analysis supports that this missense variant has a deleterious effect on protein structure/function; Has not been previously published as pathogenic or benign to our knowledge